The following is an entry in ClinVar:

NM_000436.4(OXCT1):c.1100-18GT[8]

Genes: OXCT1 (3-oxoacid CoA-transferase 1; minus strand), LOC121725203 (Sharpr-MPRA regulatory region 14195; plus strand). Cytogenetic location: 5p13.1.
Variant type: Microsatellite.
Coding change: c.1100-18GT[8] on transcript NM_000436.4 (MANE Select); eight copies in a row of the 2-base unit GT starting at c.1100-18; the reference has seven copies in a row; one copy, 2 bases duplicated.
Molecular consequence: intron variant.
Genome position (GRCh38, 1-based): chr5:41,794,754-41,794,755, AC duplicated on the plus strand (GT on the coding strand, the reverse complement: OXCT1 is on the minus strand); duplicating any 2 consecutive bases within chr5:41,794,754-41,794,768 gives the same sequence; the position shown is the placement nearest the transcript's 3' end. VCF-style (leftmost placement, unchanged base first): chr5-41794753-A-AAC. GRCh37 (hg19) VCF-style: chr5-41794855-A-AAC.
Other names: c.1094-18GT[8] (NM_001364301.2); c.1100-18GT[8] (NM_001364302.2); c.1121-18GT[8] (NM_001364299.2, NM_001364300.2); c.542-18GT[8] (NM_001364303.2); c.1100-6_1100-5dupGT (NM_000436.3).
Identifiers: ClinVar variation 2188784 (VCV002188784.6), dbSNP rs765464027, ClinGen allele CA3253372.

ClinVar aggregate classification (germline): Benign. Review status: criteria provided, single submitter (1 of 4 stars). 2 submissions from 2 submitters: Benign (1). 1 of the submissions does not count toward it. Last evaluated 2024-11-05.

Conditions:
OXCT1-related disorder. Also called: OXCT1-related condition.
Succinyl-CoA acetoacetate transferase deficiency (SCOTD). Also called: 3-Oxoacid CoA Transferase Deficiency; SCOT DEFICIENCY; SUCCINYL-CoA:3-KETOACID CoA-TRANSFERASE DEFICIENCY; KETOACIDOSIS DUE TO SCOT DEFICIENCY; Succinyl CoA:3-oxoacid CoA transferase deficiency. Identifiers: Orphanet 832, MedGen C0342792, MONDO:0009492, OMIM 245050.

Submissions (2):

Labcorp Genetics (formerly Invitae), Labcorp
Classification: Benign for Succinyl-CoA acetoacetate transferase deficiency. Last evaluated: 2024-11-05. Review status: criteria provided, single submitter. Criteria: Invitae Variant Classification Sherloc (09022015). Collection method: clinical testing. Allele origin: germline.

PreventionGenetics, part of Exact Sciences
Classification: Likely benign for OXCT1-related condition. Last evaluated: 2020-11-25. Review status: no assertion criteria provided. Collection method: clinical testing. Allele origin: germline. Not counted in ClinVar's aggregate classification.
Comment: This variant is classified as likely benign based on ACMG/AMP sequence variant interpretation guidelines (Richards et al. 2015 PMID: 25741868, with internal and published modifications).